The following is an entry in ClinVar:

NM_015294.6(TRIM37):c.1052C>T (p.Ser351Phe)

Gene: TRIM37 (tripartite motif containing 37; minus strand). Cytogenetic location: 17q22.
Variant type: single nucleotide variant.
Coding change: c.1052C>T on transcript NM_015294.6 (MANE Select); coding-DNA position 1052, C replaced by T.
Protein change: p.Ser351Phe; replaces serine 351 with phenylalanine.
Molecular consequence: missense variant. On other transcripts: non-coding transcript variant (2).
Genome position (GRCh38, 1-based): chr17:59,057,022, G>A on the plus strand (C>T on the coding strand, the complement: TRIM37 is on the minus strand). VCF-style: chr17-59057022-G-A. GRCh37 (hg19) VCF-style: chr17-57134383-G-A.
Other names: c.1052C>T, p.Ser351Phe (NM_001005207.5, NM_001320988.3, NM_001320989.3 and 1 more transcripts); c.950C>T, p.Ser317Phe (NM_001320987.3, NM_001353082.2); c.686C>T, p.Ser229Phe (NM_001320990.3); c.317C>T, p.Ser106Phe (NM_001353083.2); c.590C>T, p.Ser197Phe (NM_001353085.2); c.1001C>T, p.Ser334Phe (NM_001353086.2); short protein forms S197F, S229F, S317F, S106F, S334F, S351F.
Identifiers: ClinVar variation 2162552 (VCV002162552.1), dbSNP rs780261392, ClinGen allele CA8678409.

ClinVar aggregate classification (germline): Uncertain significance (1 of 4 stars; one submission).

Allele frequency attached by ClinVar (database versions not stated): ExAC 0.00001; gnomAD 0.00001; TOPMed 0.00001.

Submission:

Labcorp Genetics (formerly Invitae), Labcorp
Classification: Uncertain significance. Last evaluated: 2022-02-09. Review status: criteria provided, single submitter. Criteria: Invitae Variant Classification Sherloc (09022015). Collection method: clinical testing. Allele origin: germline.
Comment: This sequence change replaces serine, which is neutral and polar, with phenylalanine, which is neutral and non-polar, at codon 351 of the TRIM37 protein (p.Ser351Phe). This variant is present in population databases (rs780261392, gnomAD 0.004%). This variant has not been reported in the literature in individuals affected with TRIM37-related conditions. Algorithms developed to predict the effect of missense changes on protein structure and function are either unavailable or do not agree on the potential impact of this missense change (SIFT: "Not Available"; PolyPhen-2: "Possibly Damaging"; Align-GVGD: "Not Available"). In summary, the available evidence is currently insufficient to determine the role of this variant in disease. Therefore, it has been classified as a Variant of Uncertain Significance.